The following is an entry in ClinVar:

ClinVar aggregate classification (germline): not provided (0 of 4 stars; one submission).

Allele frequency attached by ClinVar (database versions not stated): gnomAD 0.00011 and 0.00013; TOPMed 0.00014; ExAC 0.00015; gnomAD exomes 0.00015 and 0.00017; 1000 Genomes Project 0.00020; 1000 Genomes Project 30x 0.00031.
gnomAD v4.1: 267 of 1,614,176 alleles (0.017%); highest among the groups gnomAD compares: South Asian, 0.082%; no homozygotes.

Submission:

Human Evolutionary Genetics, Institut Pasteur
No classification provided. Review status: no classification provided. Collection method: not provided. Allele origin: germline.
ClinVar note: Converted during submission from untested to not provided.

NM_006092.4(NOD1):c.254T>A (p.Phe85Tyr)

Gene: NOD1 (nucleotide binding oligomerization domain containing 1; minus strand). Cytogenetic location: 7p14.3.
Variant type: single nucleotide variant.
Coding change: c.254T>A on transcript NM_006092.4 (MANE Select); coding-DNA position 254, T replaced by A.
Protein change: p.Phe85Tyr; replaces phenylalanine 85 with tyrosine.
Molecular consequence: missense variant. On other transcripts: non-coding transcript variant (1).
Genome position (GRCh38, 1-based): chr7:30,455,259, A>T on the plus strand (T>A on the coding strand, the complement: NOD1 is on the minus strand). VCF-style: chr7-30455259-A-T. GRCh37 (hg19) VCF-style: chr7-30494875-A-T.
Other names: c.254T>A, p.Phe85Tyr (NM_001354849.2); short protein forms F85Y.
Identifiers: ClinVar variation 103107 (VCV000103107.2), dbSNP rs199475897, ClinGen allele CA230124.
Genomic context (GRCh38, chr7:30,455,259, plus strand): 5'-AGCAGCCAAGGCCTGAGGTCCACGTAGGCATCTGCGAGTTGCTGGAGCAAGTAGAGGAAG[A>T]ACTCGGACACCTCCTCGCCCTTGCTCTGTACCAGGTCCAGAATTTTGCGGACCTGGAGGT-3'
Protein context (NP_006083.1, residues 75-95): VQSKGEEVSE[Phe85Tyr]FLYLLQQLAD